The following is an entry in ClinVar:

ClinVar aggregate classification (germline): Likely pathogenic (1 of 4 stars; one submission).

Conditions:
Muscular dystrophy-dystroglycanopathy (congenital with brain and eye anomalies), type A3. Also called: Congenital muscular dystrophy-dystroglycanopathy with brain and eye anomalies, type A3; Muscular dystrophy-dystroglycanopathy (congenital with brain and eye anomalies), type A, 3; WALKER-WARBURG SYNDROME OR MUSCLE-EYE-BRAIN DISEASE, POMGNT1-RELATED. Identifiers: MedGen C3151519, MONDO:0009667, OMIM 253280.

Submission:

Myriad Genetics, Inc.
Classification: Likely pathogenic for Muscular dystrophy-dystroglycanopathy (congenital with brain and eye anomalies), type A3. Last evaluated: 2021-12-21. Review status: criteria provided, single submitter. Criteria: Myriad Women's Health Autosomal Recessive and X-Linked Classification Criteria (2021). Collection method: clinical testing. Allele origin: unknown.
Comment: NM_017739.3(POMGNT1):c.94delC(Q32Sfs*18) is expected to be pathogenic in the context of POMGNT-related disorders. This variant is predicted to lead to an abnormal or absent protein product due to the creation of a premature termination codon in POMGNT1, a gene where loss-of-function variants are known to be pathogenic. Please note: this variant was assessed in the context of healthy population screening.

NM_017739.4(POMGNT1):c.94del (p.Gln32fs)

Gene: POMGNT1 (protein O-linked mannose N-acetylglucosaminyltransferase 1 (beta 1,2-); minus strand). Cytogenetic location: 1p34.1.
Variant type: Deletion.
Coding change: c.94del on transcript NM_017739.4 (MANE Select); coding-DNA position 94, one base deleted (C; older notation c.94delC).
Protein change: p.Gln32fs; shifts the reading frame from glutamine 32.
Molecular consequence: frameshift variant.
Genome position (GRCh38, 1-based): chr1:46,197,728, G deleted on the plus strand (C on the coding strand, the reverse complement: POMGNT1 is on the minus strand); the first of 2 consecutive G bases (chr1:46,197,728-46,197,729); deleting either gives the same sequence. VCF-style (leftmost placement, unchanged base first): chr1-46197727-TG-T. GRCh37 (hg19) VCF-style: chr1-46663399-TG-T.
Other names: c.94del, p.Gln32fs (NM_001243766.2); c.93delC, p.Gln32Serfs (NM_001410783.1); short protein forms Q32fs.
Identifiers: ClinVar variation 1726555 (VCV001726555.2), dbSNP rs2525475821, ClinGen allele CA2580063010.